The following is an entry in ClinVar:

ClinVar aggregate classification (germline): Likely benign (1 of 4 stars; one submission).

Conditions:
SEPTIN6-related disorder. Also called: SEPTIN6-related condition.

gnomAD v4.1: 5 of 1,211,940 alleles (0.00041%); highest among the groups gnomAD compares: Admixed American, 0.011%; no homozygotes.

Submission:

PreventionGenetics, part of Exact Sciences
Classification: Likely benign for SEPTIN6-related condition. Last evaluated: 2025-02-27. Review status: criteria provided, single submitter. Criteria: ACMG Guidelines, 2015. Collection method: clinical testing. Allele origin: germline.
Comment: This variant is classified as likely benign based on ACMG/AMP sequence variant interpretation guidelines (Richards et al. 2015 PMID: 25741868, with internal and published modifications).

NM_145799.4(SEPTIN6):c.822G>A (p.Leu274=)

Gene: SEPTIN6 (septin 6; minus strand). Cytogenetic location: Xq24.
Variant type: single nucleotide variant.
Coding change: c.822G>A on transcript NM_145799.4 (MANE Select); coding-DNA position 822, G replaced by A.
Protein change: p.Leu274=; no amino-acid change (leucine 274 retained).
Molecular consequence: synonymous variant.
Genome position (GRCh38, 1-based): chrX:119,637,161, C>T on the plus strand (G>A on the coding strand, the complement: SEPTIN6 is on the minus strand). VCF-style: chrX-119637161-C-T. GRCh37 (hg19) VCF-style: chrX-118771124-C-T.
Other names: c.822G>A, p.Leu274= (NM_001410710.1, NM_015129.6, NM_145800.4 and 1 more transcripts).
Identifiers: ClinVar variation 4977989 (VCV004977989.1).